The following is an entry in ClinVar:

NM_001164508.2(NEB):c.2640C>T (p.Arg880=)

Gene: NEB (nebulin; minus strand). Cytogenetic location: 2q23.3.
Variant type: single nucleotide variant.
Coding change: c.2640C>T on transcript NM_001164508.2 (MANE Select); coding-DNA position 2640, C replaced by T.
Protein change: p.Arg880=; no amino-acid change (arginine 880 retained).
Molecular consequence: synonymous variant.
Genome position (GRCh38, 1-based): chr2:151,684,973, G>A on the plus strand (C>T on the coding strand, the complement: NEB is on the minus strand). VCF-style: chr2-151684973-G-A. GRCh37 (hg19) VCF-style: chr2-152541487-G-A.
Other names: c.2640C>T, p.Arg880= (NM_001164507.2, NM_001271208.2, NM_004543.5).
Identifiers: ClinVar variation 129737 (VCV000129737.52), dbSNP rs114959904, ClinGen allele CA153976.
Genomic context (GRCh38, chr2:151,684,973, plus strand): 5'-GAGCATATCAAGAGGTGCCGTGTAGATAGTTTTTGACTTTTCATAATCTTTTCGATATTC[G>A]CGCTGTGAATAGGAAATTATCATTTATTATCACAAATCCTCGATGGATTTCCAGAAAAGA-3'
Protein context (NP_001157980.2, residues 870-890): SLKTAKNQSD[Arg880=]EYRKDYEKSK

ClinVar aggregate classification (germline): Benign/Likely benign. Review status: criteria provided, multiple submitters, no conflicts (2 of 4 stars). 7 submissions from 7 submitters: Benign (4); Likely benign (1). 2 of the submissions do not count toward it. Last evaluated 2026-01-24.

Conditions:
Nemaline myopathy 2 (NEM2). Also called: Nemaline myopathy 2, autosomal recessive. Identifiers: MedGen C1850569, MONDO:0009725, OMIM 256030.

Allele frequency attached by ClinVar (database versions not stated): gnomAD exomes 0.00093; gnomAD 0.00407 and 0.00433; TOPMed 0.00421; ESP Exome Variant Server 0.00506; 1000 Genomes Project 0.00579; 1000 Genomes Project 30x 0.00640.
gnomAD v4.1: 1,266 of 1,596,906 alleles (0.079%); highest among the groups gnomAD compares: African/African-American, 1.4%; 7 homozygotes.

Submissions (7):

Labcorp Genetics (formerly Invitae), Labcorp
Classification: Benign for Nemaline myopathy 2. Last evaluated: 2026-01-24. Review status: criteria provided, single submitter. Criteria: Invitae Variant Classification Sherloc (09022015). Collection method: clinical testing. Allele origin: germline.

Blueprint Genetics
Classification: Likely benign. Last evaluated: 2024-07-05. Review status: criteria provided, single submitter. Criteria: ACMG Guidelines, 2015. Collection method: clinical testing. Allele origin: germline.

CeGaT Center for Human Genetics Tuebingen
Classification: Benign. Last evaluated: 2024-06-01. Review status: criteria provided, single submitter. Criteria: CeGaT Center For Human Genetics Tuebingen Variant Classification Criteria Version 2. Collection method: clinical testing. Allele origin: germline. Affected: yes. Observed: 2 variant alleles.
Comment: NEB: BP4, BP7, BS1, BS2

GeneDx
Classification: Benign. Last evaluated: 2018-08-22. Review status: criteria provided, single submitter. Criteria: GeneDx Variant Classification Process June 2021. Collection method: clinical testing. Allele origin: germline. Affected: yes.

Athena Diagnostics
Classification: Benign. Last evaluated: 2018-06-11. Review status: criteria provided, single submitter. Criteria: Athena Diagnostics Criteria. Collection method: clinical testing. Allele origin: germline.

Natera, Inc.
Classification: Benign for Nemaline myopathy type 2. Last evaluated: 2019-12-05. Review status: no assertion criteria provided. Collection method: clinical testing. Allele origin: germline. Not counted in ClinVar's aggregate classification.

Genetic Services Laboratory, University of Chicago
Classification: Likely benign for AllHighlyPenetrant. Review status: no assertion criteria provided. Collection method: clinical testing. Allele origin: germline. Inheritance: Autosomal recessive inheritance. Not counted in ClinVar's aggregate classification.
Comment: Likely benign based on allele frequency in 1000 Genomes Project or ESP global frequency and its presence in a patient with a rare or unrelated disease phenotype. NOT Sanger confirmed.